The following is an entry in ClinVar:

NM_002025.4(AFF2):c.482G>A (p.Arg161His)

Gene: AFF2 (ALF transcription elongation factor 2; plus strand). Cytogenetic location: Xq28.
Variant type: single nucleotide variant.
Coding change: c.482G>A on transcript NM_002025.4 (MANE Select); coding-DNA position 482, G replaced by A.
Protein change: p.Arg161His; replaces arginine 161 with histidine.
Molecular consequence: missense variant.
Genome position (GRCh38, 1-based): chrX:148,662,209, G>A. VCF-style: chrX-148662209-G-A. GRCh37 (hg19) VCF-style: chrX-147743730-G-A.
Other names: c.470G>A, p.Arg157His (NM_001169122.2, NM_001169123.2, NM_001169125.2); c.482G>A, p.Arg161His (NM_001169124.2); short protein forms R157H, R161H.
Identifiers: ClinVar variation 3908074 (VCV003908074.1).

ClinVar aggregate classification (germline): Uncertain significance (1 of 4 stars; one submission).

gnomAD v4.1: 17 of 1,211,131 alleles (0.0014%); highest among the groups gnomAD compares: African/African-American, 0.0017%; no homozygotes.

Submission:

GeneDx
Classification: Uncertain significance. Last evaluated: 2024-12-31. Review status: criteria provided, single submitter. Criteria: GeneDx Variant Classification Process June 2021. Collection method: clinical testing. Allele origin: germline. Affected: yes.
Comment: Not observed at significant frequency in large population cohorts (gnomAD); In silico analysis supports that this missense variant has a deleterious effect on protein structure/function; Has not been previously published as pathogenic or benign to our knowledge